The following is an entry in ClinVar:

ClinVar aggregate classification (germline): Uncertain significance (1 of 4 stars; one submission).

Allele frequency attached by ClinVar (database versions not stated): gnomAD exomes 0.00001 and 0.00003; gnomAD 0.00003; TOPMed 0.00003.
gnomAD v4.1: 47 of 1,609,394 alleles (0.0029%); highest among the groups gnomAD compares: Non-Finnish European, 0.0039%; no homozygotes.

Submission:

Labcorp Genetics (formerly Invitae), Labcorp
Classification: Uncertain significance. Last evaluated: 2022-08-21. Review status: criteria provided, single submitter. Criteria: Invitae Variant Classification Sherloc (09022015). Collection method: clinical testing. Allele origin: germline.
Comment: This sequence change replaces isoleucine, which is neutral and non-polar, with threonine, which is neutral and polar, at codon 37 of the ARMC9 protein (p.Ile37Thr). This variant is present in population databases (rs200364288, gnomAD 0.002%). This variant has not been reported in the literature in individuals affected with ARMC9-related conditions. ClinVar contains an entry for this variant (Variation ID: 1410572). Experimental studies and prediction algorithms are not available or were not evaluated, and the functional significance of this variant is currently unknown. In summary, the available evidence is currently insufficient to determine the role of this variant in disease. Therefore, it has been classified as a Variant of Uncertain Significance.

NM_001352754.2(ARMC9):c.110T>C (p.Ile37Thr)

Gene: ARMC9 (armadillo repeat containing 9; plus strand). Cytogenetic location: 2q37.1.
Variant type: single nucleotide variant.
Coding change: c.110T>C on transcript NM_001352754.2 (MANE Select); coding-DNA position 110, T replaced by C.
Protein change: p.Ile37Thr; replaces isoleucine 37 with threonine.
Molecular consequence: missense variant. On other transcripts: non-coding transcript variant (1).
Genome position (GRCh38, 1-based): chr2:231,208,185, T>C. VCF-style: chr2-231208185-T-C. GRCh37 (hg19) VCF-style: chr2-232072898-T-C.
Other names: c.110T>C, p.Ile37Thr (NM_001271466.4, NM_001291656.2, NM_001352755.2 and 5 more transcripts); short protein forms I37T.
Identifiers: ClinVar variation 1410572 (VCV001410572.3), dbSNP rs200364288, ClinGen allele CA66811628.